The following is an entry in ClinVar:

NM_005032.7(PLS3):c.1400T>C (p.Val467Ala)

Gene: PLS3 (plastin 3; plus strand). Cytogenetic location: Xq23.
Variant type: single nucleotide variant.
Coding change: c.1400T>C on transcript NM_005032.7 (MANE Select); coding-DNA position 1400, T replaced by C.
Protein change: p.Val467Ala; replaces valine 467 with alanine.
Molecular consequence: missense variant.
Genome position (GRCh38, 1-based): chrX:115,646,424, T>C. VCF-style: chrX-115646424-T-C. GRCh37 (hg19) VCF-style: chrX-114880744-T-C.
Other names: c.1400T>C, p.Val467Ala (NM_001136025.5); c.1319T>C, p.Val440Ala (NM_001172335.3); c.1361T>C, p.Val454Ala (NM_001282337.2); c.1265T>C, p.Val422Ala (NM_001282338.2); short protein forms V422A, V440A, V454A, V467A.
Identifiers: ClinVar variation 1522464 (VCV001522464.6), dbSNP rs2147586617, ClinGen allele CA414335908.
Genomic context (GRCh38, chrX:115,646,424, plus strand): 5'-ATGGAAGTCTTTAACCATTTACTCTTGTGCCTTTGCAGCTAGAAAACTGCAACTATGCTG[T>C]TGAATTAGGGAAGCATCCTGCTAAATTCTCCCTGGTTGGCATTGGAGGGCAAGACCTGAA-3'
Protein context (NP_005023.2, residues 457-477): MKKLENCNYA[Val467Ala]ELGKHPAKFS

ClinVar aggregate classification (germline): Uncertain significance (1 of 4 stars; one submission).

Submission:

Labcorp Genetics (formerly Invitae), Labcorp
Classification: Uncertain significance. Last evaluated: 2022-07-11. Review status: criteria provided, single submitter. Criteria: Invitae Variant Classification Sherloc (09022015). Collection method: clinical testing. Allele origin: germline.
Comment: In summary, the available evidence is currently insufficient to determine the role of this variant in disease. Therefore, it has been classified as a Variant of Uncertain Significance. Algorithms developed to predict the effect of missense changes on protein structure and function are either unavailable or do not agree on the potential impact of this missense change (SIFT: "Deleterious"; PolyPhen-2: "Benign"; Align-GVGD: "Class C25"). ClinVar contains an entry for this variant (Variation ID: 1522464). This variant has not been reported in the literature in individuals affected with PLS3-related conditions. This variant is not present in population databases (gnomAD no frequency). This sequence change replaces valine, which is neutral and non-polar, with alanine, which is neutral and non-polar, at codon 467 of the PLS3 protein (p.Val467Ala).